The following is an entry in ClinVar:

ClinVar aggregate classification (germline): Conflicting classifications of pathogenicity. Review status: criteria provided, conflicting classifications (1 of 4 stars). 2 submissions from 2 submitters: Uncertain significance (1); Likely benign (1). Last evaluated 2024-03-03.

Conditions:
Hereditary cancer-predisposing syndrome. Also called: Neoplastic Syndromes, Hereditary; Hereditary Cancer Syndrome; Tumor predisposition; Hereditary neoplastic syndrome. Identifiers: Orphanet 140162, MedGen C0027672, MeSH D009386, MONDO:0015356.
Neuroblastoma, susceptibility to, 3. Also called: ALK-Related Neuroblastic Tumor Susceptibility. Identifiers: Orphanet 635, MedGen C2751681, MONDO:0013083, OMIM 613014.

Submissions (2):

Ambry Genetics
Classification: Likely benign for Hereditary cancer-predisposing syndrome. Last evaluated: 2024-03-03. Review status: criteria provided, single submitter. Criteria: Ambry Variant Classification Scheme 2023. Collection method: clinical testing. Allele origin: germline.

Labcorp Genetics (formerly Invitae), Labcorp
Classification: Uncertain significance for Neuroblastoma, susceptibility to, 3. Last evaluated: 2021-10-24. Review status: criteria provided, single submitter. Criteria: Invitae Variant Classification Sherloc (09022015). Collection method: clinical testing. Allele origin: germline.
Comment: Algorithms developed to predict the effect of missense changes on protein structure and function output the following: SIFT: "Tolerated"; PolyPhen-2: "Benign"; Align-GVGD: "Class C0". The alanine amino acid residue is found in multiple mammalian species, which suggests that this missense change does not adversely affect protein function. In summary, the available evidence is currently insufficient to determine the role of this variant in disease. Therefore, it has been classified as a Variant of Uncertain Significance. This sequence change replaces threonine with alanine at codon 242 of the ALK protein (p.Thr242Ala). The threonine residue is weakly conserved and there is a small physicochemical difference between threonine and alanine. This variant is not present in population databases (ExAC no frequency). This variant has not been reported in the literature in individuals affected with ALK-related conditions.

NM_004304.5(ALK):c.724A>G (p.Thr242Ala)

Gene: ALK (ALK receptor tyrosine kinase; minus strand). Cytogenetic location: 2p23.2.
Variant type: single nucleotide variant.
Coding change: c.724A>G on transcript NM_004304.5 (MANE Select); coding-DNA position 724, A replaced by G.
Protein change: p.Thr242Ala; replaces threonine 242 with alanine.
Molecular consequence: missense variant.
Genome position (GRCh38, 1-based): chr2:29,717,641, T>C on the plus strand (A>G on the coding strand, the complement: ALK is on the minus strand). VCF-style: chr2-29717641-T-C. GRCh37 (hg19) VCF-style: chr2-29940507-T-C.
Other names: c.724A>G (NM_004304.4); short protein forms T242A.
Identifiers: ClinVar variation 1468726 (VCV001468726.7), dbSNP rs2148307303, ClinGen allele CA346587743.